The following is an entry in ClinVar:

NM_014365.3(HSPB8):c.487C>G (p.Leu163Val)

Gene: HSPB8 (heat shock protein family B (small) member 8; plus strand). Cytogenetic location: 12q24.23.
Variant type: single nucleotide variant.
Coding change: c.487C>G on transcript NM_014365.3 (MANE Select); coding-DNA position 487, C replaced by G.
Protein change: p.Leu163Val; replaces leucine 163 with valine.
Molecular consequence: missense variant.
Genome position (GRCh38, 1-based): chr12:119,193,754, C>G. VCF-style: chr12-119193754-C-G. GRCh37 (hg19) VCF-style: chr12-119631559-C-G.
Other names: short protein forms L163V.
Identifiers: ClinVar variation 4763070 (VCV004763070.1).
Genomic context (GRCh38, chr12:119,193,754, plus strand): 5'-CCTAGGCTTCCTGCAGAGGTGGATCCTGTGACAGTATTTGCCTCACTTTCCCCAGAGGGT[C>G]TGCTGATCATCGAAGCTCCCCAGGTCCCTCCTTACTCAACATTTGGAGAGAGCAGTTTCA-3'
Protein context (NP_055180.1, residues 153-173): TVFASLSPEG[Leu163Val]LIIEAPQVPP

ClinVar aggregate classification (germline): Uncertain significance (1 of 4 stars; one submission).

Conditions:
Charcot-Marie-Tooth disease axonal type 2L. Also called: Charcot-Marie-Tooth Neuropathy Type 2L; CHARCOT-MARIE-TOOTH DISEASE, AXONAL, AUTOSOMAL DOMINANT, TYPE 2L; CHARCOT-MARIE-TOOTH NEUROPATHY, AXONAL, TYPE 2L. Identifiers: Orphanet 99945, MedGen C1837552, MONDO:0012096, OMIM 608673.

gnomAD v4.1: 3 of 1,614,162 alleles (0.00019%); highest among the groups gnomAD compares: East Asian, 0.0067%; no homozygotes.

Submission:

Labcorp Genetics (formerly Invitae), Labcorp
Classification: Uncertain significance for Charcot-Marie-Tooth disease axonal type 2L. Last evaluated: 2025-07-23. Review status: criteria provided, single submitter. Criteria: Invitae Variant Classification Sherloc (09022015). Collection method: clinical testing. Allele origin: germline.
Comment: This sequence change replaces leucine, which is neutral and non-polar, with valine, which is neutral and non-polar, at codon 163 of the HSPB8 protein (p.Leu163Val). This variant is present in population databases (rs529515227, gnomAD 0.006%). This variant has not been reported in the literature in individuals affected with HSPB8-related conditions. An algorithm developed to predict the effect of missense changes on protein structure and function (PolyPhen-2) suggests that this variant is likely to be tolerated. In summary, the available evidence is currently insufficient to determine the role of this variant in disease. Therefore, it has been classified as a Variant of Uncertain Significance.